The following is an entry in ClinVar:

NM_001330260.2(SCN8A):c.3336T>A (p.Asp1112Glu)

Gene: SCN8A (sodium voltage-gated channel alpha subunit 8; plus strand). Cytogenetic location: 12q13.13.
Variant type: single nucleotide variant.
Coding change: c.3336T>A on transcript NM_001330260.2 (MANE Select); coding-DNA position 3336, T replaced by A.
Protein change: p.Asp1112Glu; replaces aspartic acid 1112 with glutamic acid.
Molecular consequence: missense variant.
Genome position (GRCh38, 1-based): chr12:51,769,299, T>A. VCF-style: chr12-51769299-T-A. GRCh37 (hg19) VCF-style: chr12-52163083-T-A.
Other names: c.3336T>A, p.Asp1112Glu (NM_001177984.3, NM_001369788.1, NM_014191.4); short protein forms D1112E.
Identifiers: ClinVar variation 1031805 (VCV001031805.4), dbSNP rs1942887434, ClinGen allele CA384893758.

ClinVar aggregate classification (germline): Conflicting classifications of pathogenicity. Review status: criteria provided, conflicting classifications (1 of 4 stars). 2 submissions from 2 submitters: Uncertain significance (1); Likely benign (1). Last evaluated 2025-01-16.

Conditions:
Developmental and epileptic encephalopathy, 13 (DEE13). Also called: Early infantile epileptic encephalopathy 13; Developmental and Epileptic Encephalopathy (SCN8A-DEE); SCN8A-Related Epilepsy. Identifiers: Orphanet 442835, MedGen C3281191, MONDO:0013801, OMIM 614558.
Inborn genetic diseases. Identifiers: MedGen C0950123, MeSH D030342.

Allele frequency attached by ClinVar (database versions not stated): gnomAD exomes below 0.00001.
gnomAD v4.1: 1 of 1,602,524 alleles (0.000062%); highest among the groups gnomAD compares: Non-Finnish European, 0.000085%; no homozygotes.

Submissions (2):

Ambry Genetics
Classification: Likely benign for Inborn genetic diseases. Last evaluated: 2025-01-16. Review status: criteria provided, single submitter. Criteria: Ambry Variant Classification Scheme 2023. Collection method: clinical testing. Allele origin: germline.

Baylor Genetics
Classification: Uncertain significance for Developmental and epileptic encephalopathy, 13. Last evaluated: 2018-11-12. Review status: criteria provided, single submitter. Criteria: ACMG Guidelines, 2015. Collection method: clinical testing. Allele origin: paternal. Affected: yes.
Comment: This variant was determined to be of uncertain significance according to ACMG Guidelines, 2015 [PMID:25741868].